The following is an entry in ClinVar:

ClinVar aggregate classification (germline): Uncertain significance (1 of 4 stars; one submission).

Conditions:
Hereditary cancer-predisposing syndrome. Also called: Hereditary neoplastic syndrome; Hereditary Cancer Syndrome; Neoplastic Syndromes, Hereditary; Tumor predisposition. Identifiers: Orphanet 140162, MedGen C0027672, MeSH D009386, MONDO:0015356.

Submission:

Ambry Genetics
Classification: Uncertain significance for Hereditary cancer-predisposing syndrome. Last evaluated: 2023-04-04. Review status: criteria provided, single submitter. Criteria: Ambry Variant Classification Scheme 2023. Collection method: clinical testing. Allele origin: germline.
Comment: The p.E1301K variant (also known as c.3901G>A), located in coding exon 25 of the ATM gene, results from a G to A substitution at nucleotide position 3901. The glutamic acid at codon 1301 is replaced by lysine, an amino acid with similar properties. This amino acid position is not well conserved in available vertebrate species. In addition, this alteration is predicted to be tolerated by in silico analysis. Since supporting evidence is limited at this time, the clinical significance of this alteration remains unclear.

NM_000051.4(ATM):c.3901G>A (p.Glu1301Lys)

Gene: ATM (ATM serine/threonine kinase; plus strand). Cytogenetic location: 11q22.3.
Variant type: single nucleotide variant.
Coding change: c.3901G>A on transcript NM_000051.4 (MANE Select); coding-DNA position 3901, G replaced by A.
Protein change: p.Glu1301Lys; replaces glutamic acid 1301 with lysine.
Molecular consequence: missense variant.
Genome position (GRCh38, 1-based): chr11:108,284,381, G>A. VCF-style: chr11-108284381-G-A. GRCh37 (hg19) VCF-style: chr11-108155108-G-A.
Other names: c.3901G>A, p.Glu1301Lys (NM_001351834.2); short protein forms E1301K.
Identifiers: ClinVar variation 2568168 (VCV002568168.2), dbSNP rs2135707910, ClinGen allele CA382525625.